The following is an entry in ClinVar:

NM_032790.4(ORAI1):c.290C>T (p.Ser97Phe)

Genes: ORAI1 (ORAI calcium release-activated calcium modulator 1; plus strand), LOC130008987 (ATAC-STARR-seq lymphoblastoid silent region 4981; plus strand). Cytogenetic location: 12q24.31.
Variant type: single nucleotide variant.
Coding change: c.290C>T on transcript NM_032790.4 (MANE Select); coding-DNA position 290, C replaced by T.
Protein change: p.Ser97Phe; replaces serine 97 with phenylalanine.
Molecular consequence: missense variant.
Genome position (GRCh38, 1-based): chr12:121,627,037, C>T. VCF-style: chr12-121627037-C-T.
Other names: short protein forms S97F.
Identifiers: ClinVar variation 4793872 (VCV004793872.1).

ClinVar aggregate classification (germline): Uncertain significance (1 of 4 stars; one submission).

Conditions:
Combined immunodeficiency due to ORAI1 deficiency. Also called: IMMUNODEFICIENCY 9. Identifiers: Orphanet 169090, Orphanet 317428, MedGen C2748568, MONDO:0013007, OMIM 612782.
Myopathy, tubular aggregate, 2 (TAM2). Identifiers: MedGen C4014557, MONDO:0014383, OMIM 615883.

Submission:

Labcorp Genetics (formerly Invitae), Labcorp
Classification: Uncertain significance for Myopathy, tubular aggregate, 2; Combined immunodeficiency due to ORAI1 deficiency. Last evaluated: 2025-10-05. Review status: criteria provided, single submitter. Criteria: Invitae Variant Classification Sherloc (09022015). Collection method: clinical testing. Allele origin: germline.
Comment: This sequence change replaces serine, which is neutral and polar, with phenylalanine, which is neutral and non-polar, at codon 97 of the ORAI1 protein (p.Ser97Phe). This variant is not present in population databases (gnomAD no frequency). This variant has not been reported in the literature in individuals affected with ORAI1-related conditions. Experimental studies and prediction algorithms are not available or were not evaluated, and the functional significance of this variant is currently unknown. In summary, the available evidence is currently insufficient to determine the role of this variant in disease. Therefore, it has been classified as a Variant of Uncertain Significance.